The following is an entry in ClinVar:

ClinVar aggregate classification (germline): Uncertain significance (1 of 4 stars; one submission).

Submission:

Ambry Genetics
Classification: Uncertain significance. Last evaluated: 2023-08-25. Review status: criteria provided, single submitter. Criteria: Ambry Variant Classification Scheme 2023. Collection method: clinical testing. Allele origin: germline.
Comment: The p.D1130H variant (also known as c.3388G>C), located in coding exon 3 of the MLH3 gene, results from a G to C substitution at nucleotide position 3388. The aspartic acid at codon 1130 is replaced by histidine, an amino acid with similar properties. This amino acid position is conserved. In addition, this alteration is predicted to be tolerated by in silico analysis. Since supporting evidence is limited at this time, the clinical significance of this alteration remains unclear.

NM_001040108.2(MLH3):c.3388G>C (p.Asp1130His)

Gene: MLH3 (mutL homolog 3; minus strand). Cytogenetic location: 14q24.3.
Variant type: single nucleotide variant.
Coding change: c.3388G>C on transcript NM_001040108.2 (MANE Select); coding-DNA position 3388, G replaced by C.
Protein change: p.Asp1130His; replaces aspartic acid 1130 with histidine.
Molecular consequence: missense variant.
Genome position (GRCh38, 1-based): chr14:75,041,692, C>G on the plus strand (G>C on the coding strand, the complement: MLH3 is on the minus strand). VCF-style: chr14-75041692-C-G. GRCh37 (hg19) VCF-style: chr14-75508395-C-G.
Other names: c.3388G>C, p.Asp1130His (NM_014381.3); short protein forms D1130H.
Identifiers: ClinVar variation 2625666 (VCV002625666.2), dbSNP rs775592318, ClinGen allele CA390431186.